The following is an entry in ClinVar:

NM_020448.5(NIPAL3):c.19G>A (p.Ala7Thr)

Genes: NIPAL3 (NIPA like domain containing 3; plus strand), LOC126805662 (CDK7 strongly-dependent group 2 enhancer GRCh37_chr1:24745074-24746273; plus strand). Cytogenetic location: 1p36.11.
Variant type: single nucleotide variant.
Coding change: c.19G>A on transcript NM_020448.5 (MANE Select); coding-DNA position 19, G replaced by A.
Protein change: p.Ala7Thr; replaces alanine 7 with threonine.
Molecular consequence: missense variant. On other transcripts: 5 prime UTR variant (5), non-coding transcript variant (3), intron variant (2).
Genome position (GRCh38, 1-based): chr1:24,419,566, G>A. VCF-style: chr1-24419566-G-A. GRCh37 (hg19) VCF-style: chr1-24746056-G-A.
Other names: c.19G>A, p.Ala7Thr (NM_001322854.2, NM_001322855.2, NM_001322856.2 and 5 more transcripts); c.-615G>A (NM_001322858.2); c.-224G>A (NM_001322859.2); c.-164G>A (NM_001322860.2); c.-338G>A (NM_001322862.2); c.-310G>A (NM_001322863.2); c.90+3662G>A (NM_001322864.2); c.-150+3662G>A (NM_001322861.2); short protein forms A7T.
Identifiers: ClinVar variation 3033822 (VCV003033822.2), dbSNP rs148391167, ClinGen allele CA690815.

ClinVar aggregate classification (germline): Benign (0 of 4 stars; one submission).

Conditions:
NIPAL3-related disorder. Also called: NIPAL3-related condition.

Allele frequency attached by ClinVar (database versions not stated): ExAC 0.00296; gnomAD exomes 0.00358; ESP Exome Variant Server 0.00215; TOPMed 0.00227; 1000 Genomes Project 30x 0.00250; gnomAD 0.00252; 1000 Genomes Project 0.00280.

Submission:

PreventionGenetics, part of Exact Sciences
Classification: Benign for NIPAL3-related condition. Last evaluated: 2019-06-12. Review status: no assertion criteria provided. Collection method: clinical testing. Allele origin: germline.
Comment: This variant is classified as benign based on ACMG/AMP sequence variant interpretation guidelines (Richards et al. 2015 PMID: 25741868, with internal and published modifications).